The following is an entry in ClinVar:

ClinVar aggregate classification (germline): Benign. Review status: criteria provided, multiple submitters, no conflicts (2 of 4 stars). 3 submissions from 3 submitters: Benign (2). 1 of the submissions does not count toward it. Last evaluated 2025-12-26.

Conditions:
DHX37-related disorder. Also called: DHX37-related condition; DHX37-Related Disorders.

Allele frequency attached by ClinVar (database versions not stated): gnomAD 0.00847; ESP Exome Variant Server 0.01146; 1000 Genomes Project 0.01098; 1000 Genomes Project 30x 0.01140.
gnomAD v4.1: 5,907 of 1,602,290 alleles (0.37%); highest among the groups gnomAD compares: African/African-American, 2.3%; 47 homozygotes.

Submissions (3):

Labcorp Genetics (formerly Invitae), Labcorp
Classification: Benign. Last evaluated: 2025-12-26. Review status: criteria provided, single submitter. Criteria: Invitae Variant Classification Sherloc (09022015). Collection method: clinical testing. Allele origin: germline.

Breakthrough Genomics
Classification: Benign. Review status: criteria provided, single submitter. Criteria: ACMG Guidelines, 2015. Collection method: not provided. Allele origin: germline. Inheritance: Autosomal recessive inheritance. Affected: yes.

PreventionGenetics, part of Exact Sciences
Classification: Benign for DHX37-related condition. Last evaluated: 2020-01-06. Review status: no assertion criteria provided. Collection method: clinical testing. Allele origin: germline. Not counted in ClinVar's aggregate classification.
Comment: This variant is classified as benign based on ACMG/AMP sequence variant interpretation guidelines (Richards et al. 2015 PMID: 25741868, with internal and published modifications).

NM_032656.4(DHX37):c.2748G>T (p.Pro916=)

Gene: DHX37 (DEAH-box helicase 37; minus strand). Cytogenetic location: 12q24.31.
Variant type: single nucleotide variant.
Coding change: c.2748G>T on transcript NM_032656.4 (MANE Select); coding-DNA position 2748, G replaced by T.
Protein change: p.Pro916=; no amino-acid change (proline 916 retained).
Molecular consequence: synonymous variant.
Genome position (GRCh38, 1-based): chr12:124,952,518, C>A on the plus strand (G>T on the coding strand, the complement: DHX37 is on the minus strand). VCF-style: chr12-124952518-C-A. GRCh37 (hg19) VCF-style: chr12-125437064-C-A.
Identifiers: ClinVar variation 775323 (VCV000775323.10), dbSNP rs34950844, ClinGen allele CA6871497.
Genomic context (GRCh38, chr12:124,952,518, plus strand): 5'-GTGGTCCCCCAGGCCTGCCGTCACGATCTGTCGCAGGTAGGTCACCTGGCTCTCGGTGGG[C>A]GGCTGCATCTTGGGATCCACGAAGAGCTCAGCCTCGGGGCACACGGCATTGACTGAGGGG-3'
Protein context (NP_116045.2, residues 906-926): AELFVDPKMQ[Pro916=]PTESQVTYLR